The following is an entry in ClinVar:

ClinVar aggregate classification (germline): Uncertain significance (1 of 4 stars; one submission).

Allele frequency attached by ClinVar (database versions not stated): ExAC 0.00001; gnomAD 0.00001; gnomAD exomes 0.00001.
gnomAD v4.1: 4 of 1,613,996 alleles (0.00025%); highest among the groups gnomAD compares: Admixed American, 0.005%; no homozygotes.

Submission:

Labcorp Genetics (formerly Invitae), Labcorp
Classification: Uncertain significance. Last evaluated: 2020-03-14. Review status: criteria provided, single submitter. Criteria: Invitae Variant Classification Sherloc (09022015). Collection method: clinical testing. Allele origin: germline.
Comment: This sequence change replaces arginine with histidine at codon 220 of the REST protein (p.Arg220His). The arginine residue is highly conserved and there is a small physicochemical difference between arginine and histidine. This variant is present in population databases (rs751325926, ExAC 0.009%). This variant has not been reported in the literature in individuals with REST-related conditions. Algorithms developed to predict the effect of missense changes on protein structure and function (SIFT, PolyPhen-2, Align-GVGD) all suggest that this variant is likely to be disruptive, but these predictions have not been confirmed by published functional studies and their clinical significance is uncertain. In summary, the available evidence is currently insufficient to determine the role of this variant in disease. Therefore, it has been classified as a Variant of Uncertain Significance.

NM_005612.5(REST):c.659G>A (p.Arg220His)

Gene: REST (RE1 silencing transcription factor; plus strand). Cytogenetic location: 4q12.
Variant type: single nucleotide variant.
Coding change: c.659G>A on transcript NM_005612.5 (MANE Select); coding-DNA position 659, G replaced by A.
Protein change: p.Arg220His; replaces arginine 220 with histidine.
Molecular consequence: missense variant.
Genome position (GRCh38, 1-based): chr4:56,911,297, G>A. VCF-style: chr4-56911297-G-A. GRCh37 (hg19) VCF-style: chr4-57777463-G-A.
Other names: c.659G>A, p.Arg220His (NM_001193508.2, NM_001363453.3); short protein forms R220H.
Identifiers: ClinVar variation 1059942 (VCV001059942.9), dbSNP rs751325926, ClinGen allele CA2932140.